The following is an entry in ClinVar:

ClinVar aggregate classification (germline): Likely benign (1 of 4 stars; one submission).

Conditions:
CIC-related disorder. Also called: CIC-related condition.

gnomAD v4.1: 6 of 1,610,252 alleles (0.00037%); highest among the groups gnomAD compares: African/African-American, 0.0027%; no homozygotes.

Submission:

PreventionGenetics, part of Exact Sciences
Classification: Likely benign for CIC-related condition. Last evaluated: 2026-01-23. Review status: criteria provided, single submitter. Criteria: ACMG Guidelines, 2015. Collection method: clinical testing. Allele origin: germline.
Comment: This variant is classified as likely benign based on ACMG/AMP sequence variant interpretation guidelines (Richards et al. 2015 PMID: 25741868, with internal and published modifications).

NM_001386298.1(CIC):c.2958G>A (p.Ser986=)

Gene: CIC (capicua transcriptional repressor; plus strand). Cytogenetic location: 19q13.2.
Variant type: single nucleotide variant.
Coding change: c.2958G>A on transcript NM_001386298.1 (MANE Select); coding-DNA position 2958, G replaced by A.
Protein change: p.Ser986=; no amino-acid change (serine 986 retained).
Molecular consequence: synonymous variant.
Genome position (GRCh38, 1-based): chr19:42,287,019, G>A. VCF-style: chr19-42287019-G-A. GRCh37 (hg19) VCF-style: chr19-42791171-G-A.
Other names: c.2958G>A, p.Ser986= (NM_001304815.2, NM_001379480.1, NM_001379482.1 and 6 more transcripts); c.231G>A, p.Ser77= (NM_001379484.1, NM_001379485.1, NM_001439189.1 and 3 more transcripts).
Identifiers: ClinVar variation 4999819 (VCV004999819.1).